The following is an entry in ClinVar:

ClinVar aggregate classification (germline): Uncertain significance (1 of 4 stars; one submission).

Conditions:
Hereditary cancer-predisposing syndrome. Also called: Neoplastic Syndromes, Hereditary; Tumor predisposition; Hereditary Cancer Syndrome; Hereditary neoplastic syndrome. Identifiers: Orphanet 140162, MedGen C0027672, MeSH D009386, MONDO:0015356.

Submission:

Ambry Genetics
Classification: Uncertain significance for Hereditary cancer-predisposing syndrome. Last evaluated: 2025-10-21. Review status: criteria provided, single submitter. Criteria: Ambry Variant Classification Scheme 2023. Collection method: clinical testing. Allele origin: germline.
Comment: The p.Q102R variant (also known as c.305A>G), located in coding exon 1 of the HOXB13 gene, results from an A to G substitution at nucleotide position 305. The glutamine at codon 102 is replaced by arginine, an amino acid with highly similar properties. This amino acid position is highly conserved in available vertebrate species. In addition, the in silico prediction for this alteration is inconclusive. Since supporting evidence is limited at this time, the clinical significance of this alteration remains unclear.

NM_006361.6(HOXB13):c.305A>G (p.Gln102Arg)

Gene: HOXB13 (homeobox B13; minus strand). Cytogenetic location: 17q21.32.
Variant type: single nucleotide variant.
Coding change: c.305A>G on transcript NM_006361.6 (MANE Select); coding-DNA position 305, A replaced by G.
Protein change: p.Gln102Arg; replaces glutamine 102 with arginine.
Molecular consequence: missense variant.
Genome position (GRCh38, 1-based): chr17:48,728,289, T>C on the plus strand (A>G on the coding strand, the complement: HOXB13 is on the minus strand). VCF-style: chr17-48728289-T-C. GRCh37 (hg19) VCF-style: chr17-46805651-T-C.
Other names: short protein forms Q102R.
Identifiers: ClinVar variation 1799331 (VCV001799331.3), dbSNP rs2143073007, ClinGen allele CA400107727.